The following is an entry in ClinVar:

NM_004655.4(AXIN2):c.407A>G (p.Lys136Arg)

Gene: AXIN2 (axin 2; minus strand). Cytogenetic location: 17q24.1.
Variant type: single nucleotide variant.
Coding change: c.407A>G on transcript NM_004655.4 (MANE Select); coding-DNA position 407, A replaced by G.
Protein change: p.Lys136Arg; replaces lysine 136 with arginine.
Molecular consequence: missense variant.
Genome position (GRCh38, 1-based): chr17:65,558,214, T>C on the plus strand (A>G on the coding strand, the complement: AXIN2 is on the minus strand). VCF-style: chr17-65558214-T-C. GRCh37 (hg19) VCF-style: chr17-63554332-T-C.
Other names: c.407A>G, p.Lys136Arg (NM_001363813.1); short protein forms K136R.
Identifiers: ClinVar variation 935911 (VCV000935911.11), dbSNP rs1457819815, ClinGen allele CA400681461.

ClinVar aggregate classification (germline): Uncertain significance. Review status: criteria provided, multiple submitters, no conflicts (2 of 4 stars). 4 submissions from 4 submitters: Uncertain significance (4). Last evaluated 2025-11-13.

Conditions:
Colorectal cancer. Also called: Colorectal cancer, somatic; Malignant Colorectal Neoplasm. Identifiers: MedGen C0346629, MONDO:0005575, OMIM 114500.
Oligodontia-cancer predisposition syndrome. Also called: TOOTH AGENESIS-COLORECTAL CANCER SYNDROME. Identifiers: Orphanet 300576, MedGen C1837750, MONDO:0012075, OMIM 608615. Disease mechanism: loss of function.
Hereditary cancer-predisposing syndrome. Also called: Tumor predisposition; Hereditary neoplastic syndrome; Hereditary Cancer Syndrome; Neoplastic Syndromes, Hereditary. Identifiers: Orphanet 140162, MedGen C0027672, MeSH D009386, MONDO:0015356.

Allele frequency attached by ClinVar (database versions not stated): gnomAD exomes below 0.00001 and 0.00001; TOPMed below 0.00001.
gnomAD v4.1: 5 of 1,614,138 alleles (0.00031%); highest among the groups gnomAD compares: Admixed American, 0.0017%; no homozygotes.

Submissions (4):

Labcorp Genetics (formerly Invitae), Labcorp
Classification: Uncertain significance for Oligodontia-cancer predisposition syndrome. Last evaluated: 2025-11-13. Review status: criteria provided, single submitter. Criteria: Invitae Variant Classification Sherloc (09022015). Collection method: clinical testing. Allele origin: germline.
Comment: This sequence change replaces lysine, which is basic and polar, with arginine, which is basic and polar, at codon 136 of the AXIN2 protein (p.Lys136Arg). This variant is present in population databases (no rsID available, gnomAD 0.003%). This variant has not been reported in the literature in individuals affected with AXIN2-related conditions. ClinVar contains an entry for this variant (Variation ID: 935911). Invitae Evidence Modeling of protein sequence and biophysical properties (such as structural, functional, and spatial information, amino acid conservation, physicochemical variation, residue mobility, and thermodynamic stability) indicates that this missense variant is not expected to disrupt AXIN2 protein function with a negative predictive value of 80%. In summary, the available evidence is currently insufficient to determine the role of this variant in disease. Therefore, it has been classified as a Variant of Uncertain Significance.

GeneDx
Classification: Uncertain significance. Last evaluated: 2023-12-06. Review status: criteria provided, single submitter. Criteria: GeneDx Variant Classification Process June 2021. Collection method: clinical testing. Allele origin: germline. Affected: yes.
Comment: Not observed at significant frequency in large population cohorts (gnomAD); In silico analysis supports that this missense variant does not alter protein structure/function; Has not been previously published as pathogenic or benign to our knowledge; This variant is associated with the following publications: (PMID: 15735151)

Baylor Genetics
Classification: Uncertain significance for Colorectal cancer. Last evaluated: 2023-09-23. Review status: criteria provided, single submitter. Criteria: ACMG Guidelines, 2015. Collection method: clinical testing. Allele origin: unknown.

Ambry Genetics
Classification: Uncertain significance for Hereditary cancer-predisposing syndrome. Last evaluated: 2023-05-23. Review status: criteria provided, single submitter. Criteria: Ambry Variant Classification Scheme 2023. Collection method: clinical testing. Allele origin: germline.
Comment: The p.K136R variant (also known as c.407A>G), located in coding exon 1 of the AXIN2 gene, results from an A to G substitution at nucleotide position 407. The lysine at codon 136 is replaced by arginine, an amino acid with highly similar properties. In addition, this alteration is predicted to be tolerated by in silico analysis. Since supporting evidence is limited at this time, the clinical significance of this alteration remains unclear.